The following is an entry in ClinVar:

ClinVar aggregate classification (germline): Pathogenic. Review status: criteria provided, multiple submitters, no conflicts (2 of 4 stars). 2 submissions from 2 submitters: Pathogenic (2). Last evaluated 2024-01-17.

Conditions:
Hereditary cancer-predisposing syndrome. Also called: Hereditary Cancer Syndrome; Hereditary neoplastic syndrome; Tumor predisposition; Neoplastic Syndromes, Hereditary. Identifiers: Orphanet 140162, MedGen C0027672, MeSH D009386, MONDO:0015356.
Familial cancer of breast. Also called: BREAST CANCER, FAMILIAL; Hereditary breast cancer; hereditary breast carcinoma. Identifiers: Orphanet 227535, MedGen C0346153, MONDO:0016419, OMIM 114480. Disease mechanism: loss of function.

Submissions (2):

Myriad Genetics, Inc.
Classification: Pathogenic for Familial cancer of breast. Last evaluated: 2024-01-17. Review status: criteria provided, single submitter. Criteria: Myriad Autosomal Dominant, Autosomal Recessive and X-Linked Classification Criteria (2023). Collection method: clinical testing. Allele origin: unknown.
Comment: This variant is considered pathogenic. This variant creates a frameshift predicted to result in premature protein truncation.

Ambry Genetics
Classification: Pathogenic for Hereditary cancer-predisposing syndrome. Last evaluated: 2021-05-14. Review status: criteria provided, single submitter. Criteria: Ambry Variant Classification Scheme 2023. Collection method: clinical testing. Allele origin: germline.
Comment: The c.2429dupA pathogenic mutation, located in coding exon 15 of the ATM gene, results from a duplication of A at nucleotide position 2429, causing a translational frameshift with a predicted alternate stop codon (p.L811Afs*4). This alteration is expected to result in loss of function by premature protein truncation or nonsense-mediated mRNA decay. As such, this alteration is interpreted as a disease-causing mutation.

NM_000051.4(ATM):c.2429dup (p.Leu811fs)

Gene: ATM (ATM serine/threonine kinase; plus strand). Cytogenetic location: 11q22.3.
Variant type: Duplication.
Coding change: c.2429dup on transcript NM_000051.4 (MANE Select); coding-DNA position 2429, one base duplicated (A; older notation c.2429dupA).
Protein change: p.Leu811fs; shifts the reading frame from leucine 811.
Molecular consequence: frameshift variant.
Genome position (GRCh38, 1-based): chr11:108,259,038, A duplicated; the last of 3 consecutive A bases (chr11:108,259,036-108,259,038); duplicating any one gives the same sequence. VCF-style (leftmost placement, unchanged base first): chr11-108259035-C-CA. GRCh37 (hg19) VCF-style: chr11-108129762-C-CA.
Other names: c.2429dup, p.Leu811fs (NM_001351834.2); c.2429dupA (NM_000051.3); short protein forms L811fs.
Identifiers: ClinVar variation 1791123 (VCV001791123.2), dbSNP rs2497419319, ClinGen allele CA2580083364.